The following is an entry in ClinVar:

NM_015192.4(PLCB1):c.369A>C (p.Gln123His)

Gene: PLCB1 (phospholipase C beta 1; plus strand). Cytogenetic location: 20p12.3.
Variant type: single nucleotide variant.
Coding change: c.369A>C on transcript NM_015192.4 (MANE Select); coding-DNA position 369, A replaced by C.
Protein change: p.Gln123His; replaces glutamine 123 with histidine.
Molecular consequence: missense variant.
Genome position (GRCh38, 1-based): chr20:8,628,416, A>C. VCF-style: chr20-8628416-A-C. GRCh37 (hg19) VCF-style: chr20-8609063-A-C.
Other names: c.369A>C, p.Gln123His (NM_182734.3); short protein forms Q123H.
Identifiers: ClinVar variation 853925 (VCV000853925.10), dbSNP rs755560918, ClinGen allele CA408262155.

ClinVar aggregate classification (germline): Uncertain significance (1 of 4 stars; one submission).

Conditions:
Developmental and epileptic encephalopathy, 12 (DEE12). Identifiers: MedGen C3150988, MONDO:0013389, OMIM 613722.

Submission:

Labcorp Genetics (formerly Invitae), Labcorp
Classification: Uncertain significance for Developmental and epileptic encephalopathy, 12. Last evaluated: 2022-08-16. Review status: criteria provided, single submitter. Criteria: Invitae Variant Classification Sherloc (09022015). Collection method: clinical testing. Allele origin: germline.
Comment: This variant has not been reported in the literature in individuals affected with PLCB1-related conditions. ClinVar contains an entry for this variant (Variation ID: 853925). Algorithms developed to predict the effect of missense changes on protein structure and function are either unavailable or do not agree on the potential impact of this missense change (SIFT: "Deleterious"; PolyPhen-2: "Possibly Damaging"; Align-GVGD: "Class C0"). In summary, the available evidence is currently insufficient to determine the role of this variant in disease. Therefore, it has been classified as a Variant of Uncertain Significance. This variant is not present in population databases (gnomAD no frequency). This sequence change replaces glutamine, which is neutral and polar, with histidine, which is basic and polar, at codon 123 of the PLCB1 protein (p.Gln123His).